The following is an entry in ClinVar:

ClinVar aggregate classification (germline): Uncertain significance (1 of 4 stars; one submission).

Conditions:
Anauxetic dysplasia. Identifiers: Orphanet 93347, MedGen C1846796, MONDO:0011773.

Submission:

Labcorp Genetics (formerly Invitae), Labcorp
Classification: Uncertain significance for Anauxetic dysplasia. Last evaluated: 2025-12-16. Review status: criteria provided, single submitter. Criteria: Invitae Variant Classification Sherloc (09022015). Collection method: clinical testing. Allele origin: germline.
Comment: This variant occurs in the RMRP gene, which encodes an RNA molecule that does not result in a protein product. Information on the frequency of this variant in the gnomAD database is not available, as this variant may be reported differently in the database. This variant has not been reported in the literature in individuals affected with RMRP-related conditions. Experimental studies and prediction algorithms are not available or were not evaluated, and the functional significance of this variant is currently unknown. In summary, the available evidence is currently insufficient to determine the role of this variant in disease. Therefore, it has been classified as a Variant of Uncertain Significance.

NC_000009.12:g.35658073_35658074delinsCC

Gene: RMRP (RNA component of mitochondrial RNA processing endoribonuclease; minus strand). Cytogenetic location: 9p13.3.
Variant type: Indel.
Genome position: GRCh38 VCF-style: chr9-35658073-TG-CC. GRCh37 (hg19) VCF-style: chr9-35658070-TG-CC.
Identifiers: ClinVar variation 1488397 (VCV001488397.4), dbSNP rs2131810831, ClinGen allele CA2573144665.